The following is an entry in ClinVar:

ClinVar aggregate classification (germline): Likely pathogenic (1 of 4 stars; one submission).

Conditions:
Intellectual developmental disorder with dysmorphic facies and ptosis (IDDDFP). Identifiers: Orphanet 698090, MedGen C4310617, MONDO:0015022, OMIM 617333.

Submission:

3billion
Classification: Likely pathogenic for Intellectual developmental disorder with dysmorphic facies and ptosis. Last evaluated: 2022-01-03. Review status: criteria provided, single submitter. Criteria: ACMG Guidelines, 2015. Collection method: clinical testing. Allele origin: germline. Affected: yes. Observed: 1 heterozygote.
Comment: Stop-gained (nonsense): predicted to result in a loss or disruption of normal protein function through nonsense-mediated decay (NMD) or protein truncation. Multiple pathogenic variants are reported downstream of the variant (PVS1_VS). It is not observed in the gnomAD v2.1.1 dataset (PM2_M). Therefore, this variant is classified as likely pathogenic according to the recommendation of ACMG/AMP guideline.

NM_001003694.2(BRPF1):c.1667T>A (p.Leu556Ter)

Gene: BRPF1 (bromodomain and PHD finger containing 1; plus strand). Cytogenetic location: 3p25.3.
Variant type: single nucleotide variant.
Coding change: c.1667T>A on transcript NM_001003694.2 (MANE Select); coding-DNA position 1667, T replaced by A.
Protein change: p.Leu556Ter; replaces leucine 556 with a stop codon.
Molecular consequence: nonsense. On other transcripts: non-coding transcript variant (1).
Genome position (GRCh38, 1-based): chr3:9,740,886, T>A. VCF-style: chr3-9740886-T-A. GRCh37 (hg19) VCF-style: chr3-9782570-T-A.
Other names: c.1667T>A, p.Leu556Ter (NM_001319049.2, NM_001319050.2, NM_004634.3); short protein forms L556*.
Identifiers: ClinVar variation 1333633 (VCV001333633.1), dbSNP rs2125503212, ClinGen allele CA351690242.